The following is an entry in ClinVar:

NM_016507.4(CDK12):c.1274T>A (p.Val425Glu)

Gene: CDK12 (cyclin dependent kinase 12; plus strand). Cytogenetic location: 17q12.
Variant type: single nucleotide variant.
Coding change: c.1274T>A on transcript NM_016507.4 (MANE Select); coding-DNA position 1274, T replaced by A.
Protein change: p.Val425Glu; replaces valine 425 with glutamic acid.
Molecular consequence: missense variant.
Genome position (GRCh38, 1-based): chr17:39,471,106, T>A. VCF-style: chr17-39471106-T-A. GRCh37 (hg19) VCF-style: chr17-37627359-T-A.
Other names: c.1274T>A, p.Val425Glu (NM_015083.4); short protein forms V425E.
Identifiers: ClinVar variation 4651386 (VCV004651386.1).

ClinVar aggregate classification (germline): Uncertain significance (1 of 4 stars; one submission).

Submission:

Ambry Genetics
Classification: Uncertain significance. Last evaluated: 2025-10-17. Review status: criteria provided, single submitter. Criteria: Ambry Variant Classification Scheme 2023. Collection method: clinical testing. Allele origin: germline.
Comment: The p.V425E variant (also known as c.1274T>A), located in coding exon 2 of the CDK12 gene, results from a T to A substitution at nucleotide position 1274. The valine at codon 425 is replaced by glutamic acid, an amino acid with dissimilar properties. This amino acid position is conserved. In addition, this alteration is predicted to be tolerated by in silico analysis. Based on the available evidence, the clinical significance of this variant remains unclear.